The following is an entry in ClinVar:

ClinVar aggregate classification (germline): Likely benign. Review status: criteria provided, multiple submitters, no conflicts (2 of 4 stars). 4 submissions from 4 submitters: Likely benign (3). 1 of the submissions does not count toward it. Last evaluated 2023-02-01.

Conditions:
PREX2-related disorder. Also called: PREX2-related condition.

Allele frequency attached by ClinVar (database versions not stated): 1000 Genomes Project 30x 0.00390; 1000 Genomes Project 0.00419; gnomAD 0.00566; ExAC 0.00594; TOPMed 0.00604; gnomAD exomes 0.00609 and 0.00728; ESP Exome Variant Server 0.00692.
gnomAD v4.1: 11,559 of 1,612,524 alleles (0.72%); highest among the groups gnomAD compares: Middle Eastern, 3.2%; 68 homozygotes.

Submissions (4):

CeGaT Center for Human Genetics Tuebingen
Classification: Likely benign. Last evaluated: 2023-02-01. Review status: criteria provided, single submitter. Criteria: CeGaT Center For Human Genetics Tuebingen Variant Classification Criteria Version 2. Collection method: clinical testing. Allele origin: germline. Affected: yes. Observed: 2 variant alleles.
Comment: PREX2: BP4, BS2

Labcorp Genetics (formerly Invitae), Labcorp
Classification: Likely benign. Last evaluated: 2018-03-30. Review status: criteria provided, single submitter. Criteria: Invitae Variant Classification Sherloc (09022015). Collection method: clinical testing. Allele origin: germline.

Breakthrough Genomics
Classification: Likely benign. Review status: criteria provided, single submitter. Criteria: ACMG Guidelines, 2015. Collection method: not provided. Allele origin: germline. Inheritance: Unknown mechanism. Affected: yes.

PreventionGenetics, part of Exact Sciences
Classification: Benign for PREX2-related condition. Last evaluated: 2020-02-26. Review status: no assertion criteria provided. Collection method: clinical testing. Allele origin: germline. Not counted in ClinVar's aggregate classification.
Comment: This variant is classified as benign based on ACMG/AMP sequence variant interpretation guidelines (Richards et al. 2015 PMID: 25741868, with internal and published modifications).

NM_024870.4(PREX2):c.2930C>T (p.Ser977Leu)

Gene: PREX2 (phosphatidylinositol-3,4,5-trisphosphate dependent Rac exchange factor 2; plus strand). Cytogenetic location: 8q13.2.
Variant type: single nucleotide variant.
Coding change: c.2930C>T on transcript NM_024870.4 (MANE Select); coding-DNA position 2930, C replaced by T.
Protein change: p.Ser977Leu; replaces serine 977 with leucine.
Molecular consequence: missense variant.
Genome position (GRCh38, 1-based): chr8:68,108,323, C>T. VCF-style: chr8-68108323-C-T. GRCh37 (hg19) VCF-style: chr8-69020558-C-T.
Other names: short protein forms S977L.
Identifiers: ClinVar variation 713362 (VCV000713362.29), dbSNP rs61753700, ClinGen allele CA4774277.
Genomic context (GRCh38, chr8:68,108,323, plus strand): 5'-CATTTGGTGTTCAGTTGGATAGCAGGAAGCATAATTCTCATGATAAAGAAAACAAATCTT[C>T]GGAGCAAGGTATGCTAGCTTTTGCAACTTTATCAAATCATGAAAAGCAATTTAGGCAATC-3'
Protein context (NP_079146.2, residues 967-987): HNSHDKENKS[Ser977Leu]EQGKLSPMVY